The following is an entry in ClinVar:

ClinVar aggregate classification (germline): Likely benign (1 of 4 stars; one submission).

Submission:

CeGaT Center for Human Genetics Tuebingen
Classification: Likely benign. Last evaluated: 2024-12-01. Review status: criteria provided, single submitter. Criteria: CeGaT Center For Human Genetics Tuebingen Variant Classification Criteria Version 2. Collection method: clinical testing. Allele origin: germline. Affected: yes. Observed: 1 variant allele.
Comment: PLIN4: BP4, BP7

NM_001367868.2(PLIN4):c.2775C>G (p.Thr925=)

Gene: PLIN4 (perilipin 4; minus strand). Cytogenetic location: 19p13.3.
Variant type: single nucleotide variant.
Coding change: c.2775C>G on transcript NM_001367868.2 (MANE Select); coding-DNA position 2775, C replaced by G.
Protein change: p.Thr925=; no amino-acid change (threonine 925 retained).
Molecular consequence: synonymous variant.
Genome position (GRCh38, 1-based): chr19:4,511,185, G>C on the plus strand (C>G on the coding strand, the complement: PLIN4 is on the minus strand). VCF-style: chr19-4511185-G-C. GRCh37 (hg19) VCF-style: chr19-4511197-G-C.
Other names: c.2778C>G, p.Thr926= (NM_001393888.1, NM_001393889.1); c.2775C>G, p.Thr925= (NM_001393890.1, NM_001393891.1).
Identifiers: ClinVar variation 3771233 (VCV003771233.13).